The following is an entry in ClinVar:

ClinVar aggregate classification (germline): Benign (0 of 4 stars; one submission).

Conditions:
ITPR2-related disorder. Also called: ITPR2-related condition.

Allele frequency attached by ClinVar (database versions not stated): 1000 Genomes Project 30x 0.03061; 1000 Genomes Project 0.03135; TOPMed 0.05940; gnomAD 0.06508; ESP Exome Variant Server 0.06970; ExAC 0.07058; gnomAD exomes 0.08638.
gnomAD v4.1: 135,493 of 1,614,160 alleles (8.4%); highest among the groups gnomAD compares: Non-Finnish European, 9.8%; 6,520 homozygotes.

Submission:

PreventionGenetics, part of Exact Sciences
Classification: Benign for ITPR2-related condition. Last evaluated: 2020-01-07. Review status: no assertion criteria provided. Collection method: clinical testing. Allele origin: germline.
Comment: This variant is classified as benign based on ACMG/AMP sequence variant interpretation guidelines (Richards et al. 2015 PMID: 25741868, with internal and published modifications).

NM_002223.4(ITPR2):c.2262A>C (p.Thr754=)

Gene: ITPR2 (inositol 1,4,5-trisphosphate receptor type 2; minus strand). Cytogenetic location: 12p11.23.
Variant type: single nucleotide variant.
Coding change: c.2262A>C on transcript NM_002223.4 (MANE Select); coding-DNA position 2262, A replaced by C.
Protein change: p.Thr754=; no amino-acid change (threonine 754 retained).
Molecular consequence: synonymous variant.
Genome position (GRCh38, 1-based): chr12:26,656,479, T>G on the plus strand (A>C on the coding strand, the complement: ITPR2 is on the minus strand). VCF-style: chr12-26656479-T-G. GRCh37 (hg19) VCF-style: chr12-26809412-T-G.
Other names: c.2259A>C, p.Thr753= (NM_001414174.1); c.2262A>C, p.Thr754= (NM_001414175.1).
Identifiers: ClinVar variation 3059940 (VCV003059940.2), dbSNP rs2230378, ClinGen allele CA6489646.
Genomic context (GRCh38, chr12:26,656,479, plus strand): 5'-GAGGTCGAACGGCAGGCTCTCATCCGACACACACCGCAGGATCAGGTCTACAGACAGCTG[T>G]GTAGAAATCTGGTTTATGGCCAGATACTGGCGATCCAAGCACATCCTTGCAAAGAGGTTT-3'
Protein context (NP_002214.2, residues 744-764): RQYLAINQIS[Thr754=]QLSVDLILRC